The following is an entry in ClinVar:

NM_001029883.3(PCARE):c.142T>C (p.Ser48Pro)

Gene: PCARE (photoreceptor cilium actin regulator; minus strand). Cytogenetic location: 2p23.2.
Variant type: single nucleotide variant.
Coding change: c.142T>C on transcript NM_001029883.3 (MANE Select); coding-DNA position 142, T replaced by C.
Protein change: p.Ser48Pro; replaces serine 48 with proline.
Molecular consequence: missense variant.
Genome position (GRCh38, 1-based): chr2:29,074,120, A>G on the plus strand (T>C on the coding strand, the complement: PCARE is on the minus strand). VCF-style: chr2-29074120-A-G. GRCh37 (hg19) VCF-style: chr2-29296986-A-G.
Other names: short protein forms S48P.
Identifiers: ClinVar variation 2082291 (VCV002082291.4), dbSNP rs2465280481, ClinGen allele CA346482947.

ClinVar aggregate classification (germline): Uncertain significance (1 of 4 stars; one submission).

Allele frequency attached by ClinVar (database versions not stated): gnomAD exomes below 0.00001.
gnomAD v4.1: 2 of 1,614,080 alleles (0.00012%); highest among the groups gnomAD compares: East Asian, 0.0022%; no homozygotes.

Submission:

Labcorp Genetics (formerly Invitae), Labcorp
Classification: Uncertain significance. Last evaluated: 2022-01-13. Review status: criteria provided, single submitter. Criteria: Invitae Variant Classification Sherloc (09022015). Collection method: clinical testing. Allele origin: germline.
Comment: In summary, the available evidence is currently insufficient to determine the role of this variant in disease. Therefore, it has been classified as a Variant of Uncertain Significance. Algorithms developed to predict the effect of missense changes on protein structure and function output the following: SIFT: "Deleterious"; PolyPhen-2: "Benign"; Align-GVGD: "Class C0". The proline amino acid residue is found in multiple mammalian species, which suggests that this missense change does not adversely affect protein function. This variant has not been reported in the literature in individuals affected with PCARE-related conditions. This variant is not present in population databases (gnomAD no frequency). This sequence change replaces serine, which is neutral and polar, with proline, which is neutral and non-polar, at codon 48 of the PCARE protein (p.Ser48Pro).